The following is an entry in ClinVar:

ClinVar aggregate classification (germline): Uncertain significance (1 of 4 stars; one submission).

Conditions:
Cardiovascular phenotype. Identifiers: MedGen CN230736.

gnomAD v4.1: 3 of 1,614,042 alleles (0.00019%); highest among the groups gnomAD compares: South Asian, 0.0011%; no homozygotes.

Submission:

Ambry Genetics
Classification: Uncertain significance for Cardiovascular phenotype. Last evaluated: 2025-09-12. Review status: criteria provided, single submitter. Criteria: Ambry Variant Classification Scheme 2023. Collection method: clinical testing. Allele origin: germline.
Comment: The p.S409L variant (also known as c.1226C>T), located in coding exon 10 of the BRAF gene, results from a C to T substitution at nucleotide position 1226. The serine at codon 409 is replaced by leucine, an amino acid with dissimilar properties. This amino acid position is conserved. In addition, the in silico prediction for this alteration is inconclusive. Based on the available evidence, the clinical significance of this variant remains unclear.

NM_004333.6(BRAF):c.1226C>T (p.Ser409Leu)

Gene: BRAF (B-Raf proto-oncogene, serine/threonine kinase; minus strand). Cytogenetic location: 7q34.
Variant type: single nucleotide variant.
Coding change: c.1226C>T on transcript NM_004333.6 (MANE Select); coding-DNA position 1226, C replaced by T.
Protein change: p.Ser409Leu; replaces serine 409 with leucine.
Molecular consequence: missense variant. On other transcripts: intron variant (2).
Genome position (GRCh38, 1-based): chr7:140,783,109, G>A on the plus strand (C>T on the coding strand, the complement: BRAF is on the minus strand). VCF-style: chr7-140783109-G-A. GRCh37 (hg19) VCF-style: chr7-140482909-G-A.
Other names: c.1226C>T, p.Ser409Leu (NM_001354609.2, NM_001378468.1, NM_001378474.1); c.1346C>T, p.Ser449Leu (NM_001374244.1, NM_001374258.1); c.1235C>T, p.Ser412Leu (NM_001378467.1); c.1124C>T, p.Ser375Leu (NM_001378470.1); c.1070C>T, p.Ser357Leu (NM_001378472.1, NM_001378473.1); c.962C>T, p.Ser321Leu (NM_001378475.1); c.1141-26C>T (NM_001378471.1); c.1178-18C>T (NM_001378469.1); short protein forms S449L, S357L, S412L, S409L, S321L, S375L.
Identifiers: ClinVar variation 4215020 (VCV004215020.1).